The following is an entry in ClinVar:

NM_000090.4(COL3A1):c.505C>T (p.Leu169Phe)

Gene: COL3A1 (collagen type III alpha 1 chain; plus strand). Cytogenetic location: 2q32.2.
Variant type: single nucleotide variant.
Coding change: c.505C>T on transcript NM_000090.4 (MANE Select); coding-DNA position 505, C replaced by T.
Protein change: p.Leu169Phe; replaces leucine 169 with phenylalanine.
Molecular consequence: missense variant.
Genome position (GRCh38, 1-based): chr2:188,987,116, C>T. VCF-style: chr2-188987116-C-T. GRCh37 (hg19) VCF-style: chr2-189851842-C-T.
Other names: p.L169F:CTC>TTC; short protein forms L169F.
Identifiers: ClinVar variation 161216 (VCV000161216.52), dbSNP rs111391222, ClinGen allele CA006900.

ClinVar aggregate classification (germline): Conflicting classifications of pathogenicity. Review status: criteria provided, conflicting classifications (1 of 4 stars). 12 submissions from 12 submitters: Uncertain significance (1); Benign (5); Likely benign (5). 1 of the submissions does not count toward it. Last evaluated 2026-06-29.

Conditions:
Aortic aneurysm. Also called: Aortic aneurysm (disease). Identifiers: MedGen C0003486, MONDO:0005160, HP:0004942.
Ehlers-Danlos syndrome (EDS). Identifiers: Orphanet 98249, MedGen C0013720, MONDO:0020066.
Familial thoracic aortic aneurysm and aortic dissection (TAAD). Also called: Thoracic aortic aneurysms and dissections. Identifiers: Orphanet 91387, MedGen C4707243, MONDO:0019625.
Ehlers-Danlos syndrome, type 4 (EDSVASC). Also called: Ehlers-Danlos syndrome vascular type; Ehlers Danlos syndrome, ecchymotic type; Ehlers Danlos syndrome, arterial type; Ehlers Danlos syndrome, Sack-Barabas type; Ehlers-Danlos Syndrome Type IV. Identifiers: Orphanet 286, MedGen C0268338, MONDO:0017314, OMIM 130050.

Allele frequency attached by ClinVar (database versions not stated): gnomAD exomes 0.00041 and 0.00080; ESP Exome Variant Server 0.00054; ExAC 0.00055; gnomAD 0.00058 and 0.00061; TOPMed 0.00059.
gnomAD v4.1: 743 of 1,612,698 alleles (0.046%); highest among the groups gnomAD compares: Non-Finnish European, 0.0097%; 4 homozygotes.

Submissions (12):

Women's Health and Genetics/Laboratory Corporation of America, LabCorp
Classification: Likely benign. Last evaluated: 2026-06-29. Review status: criteria provided, single submitter. Criteria: LabCorp Variant Classification Summary - May 2015. Collection method: clinical testing. Allele origin: germline.
Comment: Variant summary: COL3A1 c.505C>T (p.Leu169Phe) results in a non-conservative amino acid change in the encoded protein sequence. Algorithms developed to predict the effect of missense changes on protein structure and function are either unavailable or do not agree on the potential impact of this missense change. The variant allele was found at a frequency of 0.0008 in 251010 control chromosomes, predominantly at a frequency of 0.00016 within the Non-Finnish European subpopulation in the gnomAD database. The observed variant frequency within Non-Finnish European control individuals in the gnomAD database exceeds the estimated maximal expected allele frequency for disease-causing variants in COL3A1. To our knowledge, no occurrence of c.505C>T in individuals affected with COL3A1-related conditions and no experimental evidence demonstrating its impact on protein function have been reported. ClinVar contains an entry for this variant (Variation ID: 161216). Based on the evidence outlined above, the variant was classified as likely benign.

CeGaT Center for Human Genetics Tuebingen
Classification: Benign. Last evaluated: 2026-06-01. Review status: criteria provided, single submitter. Criteria: CeGaT Center For Human Genetics Tuebingen Variant Classification Criteria Version 2. Collection method: clinical testing. Allele origin: germline. Affected: yes. Observed: 28 variant alleles.
Comment: COL3A1: BS1, BS2

Labcorp Genetics (formerly Invitae), Labcorp
Classification: Likely benign for Ehlers-Danlos syndrome, type 4. Last evaluated: 2026-02-02. Review status: criteria provided, single submitter. Criteria: Invitae Variant Classification Sherloc (09022015). Collection method: clinical testing. Allele origin: germline.

Blueprint Genetics
Classification: Likely benign. Last evaluated: 2024-11-21. Review status: criteria provided, single submitter. Criteria: ACMG Guidelines, 2015. Collection method: clinical testing. Allele origin: germline.

Genome Diagnostics Laboratory, The Hospital for Sick Children
Classification: Likely benign for Ehlers-Danlos syndrome. Last evaluated: 2020-01-01. Review status: criteria provided, single submitter. Criteria: ACMG Guidelines, 2015. Collection method: clinical testing. Allele origin: germline.

CHEO Genetics Diagnostic Laboratory, Children's Hospital of Eastern Ontario
Classification: Benign for Familial thoracic aortic aneurysm and aortic dissection. Last evaluated: 2018-06-14. Review status: criteria provided, single submitter. Criteria: ACMG Guidelines, 2015. Collection method: clinical testing. Allele origin: germline.

Illumina Laboratory Services, Illumina
Classification: Likely benign for Ehlers-Danlos syndrome, type 4. Last evaluated: 2018-04-26. Review status: criteria provided, single submitter. Criteria: ICSL Variant Classification Criteria 13 December 2019. Collection method: clinical testing. Allele origin: germline.
Comment: This variant was observed as part of a predisposition screen in an ostensibly healthy population. A literature search was performed for the gene, cDNA change, and amino acid change (where applicable). No publications were found based on this search. Allele frequency data from public databases allowed determination this variant is unlikely to cause disease. Therefore, this variant is classified as likely benign.

Color Diagnostics, LLC DBA Color Health
Classification: Benign for Familial thoracic aortic aneurysm and aortic dissection. Last evaluated: 2018-04-07. Review status: criteria provided, single submitter. Criteria: ACMG Guidelines, 2015. Collection method: clinical testing. Allele origin: germline.

GeneDx
Classification: Benign. Last evaluated: 2018-02-22. Review status: criteria provided, single submitter. Criteria: GeneDx Variant Classification (06012015). Collection method: clinical testing. Allele origin: germline. Affected: yes.
Comment: This variant is considered likely benign or benign based on one or more of the following criteria: it is a conservative change, it occurs at a poorly conserved position in the protein, it is predicted to be benign by multiple in silico algorithms, and/or has population frequency not consistent with disease.

Ambry Genetics
Classification: Benign for Familial thoracic aortic aneurysm and aortic dissection. Last evaluated: 2015-06-20. Review status: criteria provided, single submitter. Criteria: Ambry Variant Classification Scheme 2023. Collection method: clinical testing. Allele origin: germline.

CSER _CC_NCGL, University of Washington
Classification: Uncertain significance for Aortic aneurysm. Last evaluated: 2014-06-01. Review status: criteria provided, single submitter. Criteria: Amendola et al. (Genome Res. 2015). Collection method: research. Allele origin: germline. Inheritance: Autosomal dominant inheritance. Study: ESP 6500 variant annotation.
Comment: Low GERP score may suggest that this variant may belong in a lower pathogenicity class

Variants classified for the Actionable exomic incidental findings in 6503 participants: challenges of variant classification manuscript

Knight Diagnostic Laboratories, Oregon Health and Sciences University
Classification: Uncertain significance for Ehlers-Danlos syndrome, type 4. Last evaluated: 2015-09-01. Review status: no assertion criteria provided. Criteria: ACMG Guidelines, 2015. Collection method: clinical testing. Allele origin: germline. Affected: no. Study: CSER-NextGen. Not counted in ClinVar's aggregate classification.

Literature cited by the submitters: PubMed 24055113 (cited by Ambry Genetics).